The following is an entry in ClinVar:

NM_017636.4(TRPM4):c.1870G>T (p.Val624Phe)

Gene: TRPM4 (transient receptor potential cation channel subfamily M member 4; plus strand). Cytogenetic location: 19q13.33.
Variant type: single nucleotide variant.
Coding change: c.1870G>T on transcript NM_017636.4 (MANE Select); coding-DNA position 1870, G replaced by T.
Protein change: p.Val624Phe; replaces valine 624 with phenylalanine.
Molecular consequence: missense variant.
Genome position (GRCh38, 1-based): chr19:49,188,767, G>T. VCF-style: chr19-49188767-G-T. GRCh37 (hg19) VCF-style: chr19-49692024-G-T.
Other names: c.1870G>T, p.Val624Phe (NM_001195227.2); c.1525G>T, p.Val509Phe (NM_001321281.2); c.262G>T, p.Val88Phe (NM_001321282.2); c.1348G>T, p.Val450Phe (NM_001321283.2); c.808G>T, p.Val270Phe (NM_001321285.2); short protein forms V450F, V509F, V624F, V270F, V88F.
Identifiers: ClinVar variation 931850 (VCV000931850.6), dbSNP rs1426647583, ClinGen allele CA406803398.
Genomic context (GRCh38, chr19:49,188,767, plus strand): 5'-CCTGACGCTGAGGAGGCAGCACGGAGGAAAGACCTGGCGTTCAAGTTTGAGGGGATGGGC[G>T]TTGGTGCGTGGGGCACGGTGCCTGGGAGCAGGGACGGGGGCTGCCGCCAGAGGGGGATGT-3'
Protein context (NP_060106.2, residues 614-634): DLAFKFEGMG[Val624Phe]DLFGECYRSS

ClinVar aggregate classification (germline): Uncertain significance. Review status: criteria provided, multiple submitters, no conflicts (2 of 4 stars). 2 submissions from 2 submitters: Uncertain significance (2). Last evaluated 2022-12-16.

Conditions:
Progressive familial heart block type IB (PFHB1B). Identifiers: Orphanet 871, MedGen C1970298, MONDO:0011474, OMIM 604559.

gnomAD v4.1: 1 of 1,614,098 alleles (0.000062%); highest among the groups gnomAD compares: Non-Finnish European, 0.000085%; no homozygotes.

Submissions (2):

Labcorp Genetics (formerly Invitae), Labcorp
Classification: Uncertain significance for Progressive familial heart block type IB. Last evaluated: 2022-12-16. Review status: criteria provided, single submitter. Criteria: Invitae Variant Classification Sherloc (09022015). Collection method: clinical testing. Allele origin: germline.
Comment: In summary, the available evidence is currently insufficient to determine the role of this variant in disease. Therefore, it has been classified as a Variant of Uncertain Significance. This sequence change replaces valine, which is neutral and non-polar, with phenylalanine, which is neutral and non-polar, at codon 624 of the TRPM4 protein (p.Val624Phe). This variant is not present in population databases (gnomAD no frequency). This variant has not been reported in the literature in individuals affected with TRPM4-related conditions. ClinVar contains an entry for this variant (Variation ID: 931850). Algorithms developed to predict the effect of missense changes on protein structure and function (SIFT, PolyPhen-2, Align-GVGD) all suggest that this variant is likely to be tolerated.

Centre for Mendelian Genomics, University Medical Centre Ljubljana
Classification: Uncertain significance for Progressive familial heart block type IB. Last evaluated: 2020-03-24. Review status: criteria provided, single submitter. Criteria: ACMG Guidelines, 2015. Collection method: clinical testing. Allele origin: unknown. Affected: yes.
Comment: This variant was classified as: Uncertain significance. The available evidence on this variant's pathogenicity is insufficient or conflicting. The following ACMG criteria were applied in classifying this variant: PM2,BP4.